The following is an entry in ClinVar:

ClinVar aggregate classification (germline): Pathogenic. Review status: criteria provided, multiple submitters, no conflicts (2 of 4 stars). 2 submissions from 2 submitters: Pathogenic (2). Last evaluated 2024-05-08.

Conditions:
Glycine encephalopathy. Also called: Nonketotic hyperglycinemia; Non-ketotic hyperglycinemia. Identifiers: Orphanet 407, MedGen C0751748, MONDO:0011612, HP:0008288.
Glycine encephalopathy 1 (GCE1). Identifiers: MedGen CN376801, MONDO:0958179, OMIM 605899.

Allele frequency attached by ClinVar (database versions not stated): gnomAD exomes below 0.00001.
gnomAD v4.1: 1 of 1,614,082 alleles (0.000062%); highest among the groups gnomAD compares: Non-Finnish European, 0.000085%; no homozygotes.

Submissions (2):

Myriad Genetics, Inc.
Classification: Pathogenic for Glycine encephalopathy 1. Last evaluated: 2024-05-08. Review status: criteria provided, single submitter. Criteria: Myriad Autosomal Dominant, Autosomal Recessive and X-Linked Classification Criteria (2023). Collection method: clinical testing. Allele origin: unknown.
Comment: NM_000170.2(GLDC):c.2445G>A(W815*) is expected to be pathogenic in the context of glycine encephalopathy, GLDC-related. This variant is predicted to lead to an abnormal or absent protein product due to the creation of a premature termination codon in GLDC, a gene where loss-of-function variants are known to be pathogenic. Please note: this variant was assessed in the context of healthy population screening.

Labcorp Genetics (formerly Invitae), Labcorp
Classification: Pathogenic for Glycine encephalopathy. Last evaluated: 2021-05-18. Review status: criteria provided, single submitter. Criteria: Invitae Variant Classification Sherloc (09022015). Collection method: clinical testing. Allele origin: germline.
Comment: This sequence change creates a premature translational stop signal (p.Trp815*) in the GLDC gene. It is expected to result in an absent or disrupted protein product. Loss-of-function variants in GLDC are known to be pathogenic (PMID: 16601880). This variant is not present in population databases (ExAC no frequency). This variant has not been reported in the literature in individuals with GLDC-related conditions. For these reasons, this variant has been classified as Pathogenic.

Literature cited by the submitters: PubMed 16601880 (cited by Labcorp Genetics (formerly Invitae), Labcorp).

NM_000170.3(GLDC):c.2445G>A (p.Trp815Ter)

Gene: GLDC (glycine decarboxylase; minus strand). Cytogenetic location: 9p24.1.
Variant type: single nucleotide variant.
Coding change: c.2445G>A on transcript NM_000170.3 (MANE Select); coding-DNA position 2445, G replaced by A.
Protein change: p.Trp815Ter; replaces tryptophan 815 with a stop codon.
Molecular consequence: nonsense.
Genome position (GRCh38, 1-based): chr9:6,553,380, C>T on the plus strand (G>A on the coding strand, the complement: GLDC is on the minus strand). VCF-style: chr9-6553380-C-T. GRCh37 (hg19) VCF-style: chr9-6553380-C-T.
Other names: short protein forms W815*.
Identifiers: ClinVar variation 1452870 (VCV001452870.7), dbSNP rs2129714616, ClinGen allele CA372878215.
Genomic context (GRCh38, chr9:6,553,380, plus strand): 5'-CTGACGCCCCCACCCACCTGCACACCTGCACATACTCCCAGGCCTCACCTTGATATAAGC[C>T]CAGGAAATGGGCAAGATGGAACTGGAGCCCCATGGGGCCGCACTGACGGTTCCCACAGGA-3'